The following is an entry in ClinVar:

NM_006904.7(PRKDC):c.3056A>C (p.Asp1019Ala)

Gene: PRKDC (protein kinase, DNA-activated, catalytic subunit; minus strand). Cytogenetic location: 8q11.21.
Variant type: single nucleotide variant.
Coding change: c.3056A>C on transcript NM_006904.7 (MANE Select); coding-DNA position 3056, A replaced by C.
Protein change: p.Asp1019Ala; replaces aspartic acid 1019 with alanine.
Molecular consequence: missense variant.
Genome position (GRCh38, 1-based): chr8:47,902,782, T>G on the plus strand (A>C on the coding strand, the complement: PRKDC is on the minus strand). VCF-style: chr8-47902782-T-G. GRCh37 (hg19) VCF-style: chr8-48815342-T-G.
Other names: c.3056A>C, p.Asp1019Ala (NM_001081640.2); short protein forms D1019A.
Identifiers: ClinVar variation 3425268 (VCV003425268.1).
Genomic context (GRCh38, chr8:47,902,782, plus strand): 5'-CATTTAAGGAATTCTCGAATACACCGACCACAAAAATCTCTTAAAGTACTGTCAACAGGG[T>G]CCACAATTCCATCCTGAAACAAAACAAAGAGACCTTGATTGTACTAATTTTTATAACCAC-3'
Protein context (NP_008835.5, residues 1009-1029): LLEAILDGIV[Asp1019Ala]PVDSTLRDFC

ClinVar aggregate classification (germline): Uncertain significance (1 of 4 stars; one submission).

Submission:

Ambry Genetics
Classification: Uncertain significance. Last evaluated: 2024-07-03. Review status: criteria provided, single submitter. Criteria: Ambry Variant Classification Scheme 2023. Collection method: clinical testing. Allele origin: germline.
Comment: The p.D1019A variant (also known as c.3056A>C), located in coding exon 27 of the PRKDC gene, results from an A to C substitution at nucleotide position 3056. The aspartic acid at codon 1019 is replaced by alanine, an amino acid with dissimilar properties. This amino acid position is conserved. In addition, the in silico prediction for this alteration is inconclusive. Based on the available evidence, the clinical significance of this variant remains unclear.